The following is an entry in ClinVar:

ClinVar aggregate classification (germline): Pathogenic. Review status: criteria provided, multiple submitters, no conflicts (2 of 4 stars). 10 submissions from 10 submitters: Pathogenic (7). 3 of the submissions do not count toward it. Last evaluated 2026-01-05.

Conditions:
Primary hyperoxaluria. Identifiers: Orphanet 416, MedGen C0020501, MONDO:0002474.
Primary hyperoxaluria, type II (HP2). Also called: Primary hyperoxaluria type 2; D-GLYCERATE DEHYDROGENASE DEFICIENCY; GLYCERIC ACIDURIA; GLYOXYLATE REDUCTASE/HYDROXYPYRUVATE REDUCTASE DEFICIENCY; OXALOSIS II. Identifiers: Orphanet 416, Orphanet 93599, MedGen C0268165, MONDO:0009824, OMIM 260000. Disease mechanism: loss of function.

Submissions (10):

Labcorp Genetics (formerly Invitae), Labcorp
Classification: Pathogenic. Last evaluated: 2026-01-05. Review status: criteria provided, single submitter. Criteria: Invitae Variant Classification Sherloc (09022015). Collection method: clinical testing. Allele origin: germline.
Comment: This sequence change creates a premature translational stop signal (p.Val289Aspfs*22) in the GRHPR gene. While this is not anticipated to result in nonsense mediated decay, it is expected to disrupt the last 40 amino acid(s) of the GRHPR protein. The frequency data for this variant in the population databases is considered unreliable, as metrics indicate poor data quality at this position in the gnomAD database. This premature translational stop signal has been observed in individual(s) with primary hyperoxaluria type 2 (PMID: 11728965, 24116921). This variant is also known as 862delTG. ClinVar contains an entry for this variant (Variation ID: 162020). This variant disrupts the p.Arg302 amino acid residue in GRHPR. Other variant(s) that disrupt this residue have been determined to be pathogenic (PMID: 14635115, 24116921). This suggests that this residue is clinically significant, and that variants that disrupt this residue are likely to be disease-causing. For these reasons, this variant has been classified as Pathogenic.

Natera, Inc.
Classification: Pathogenic for Primary hyperoxaluria type II. Last evaluated: 2025-12-17. Review status: criteria provided, single submitter. Criteria: Natera Variant Classification Schema (03/2026). Collection method: clinical testing. Allele origin: germline.
Comment: The c.864_865delTG variant in GRHPR is a frameshift variant predicted to shift the reading frame beginning at codon 289 and leads to a stop codon 22 codons downstream. This variant is expected to result in nonsense mediated decay, truncation, or a dysfunctional protein product. The frequency of this variant in the general population is greater than expected for disorder. This variant has been observed in one or more individuals affected with the associated recessive disease, as either homozygous or compound heterozygous with a second variant (PMID: 17510093). Given the available evidence, this variant is classified as Pathogenic.

3billion
Classification: Pathogenic for Primary hyperoxaluria, type II. Last evaluated: 2024-10-31. Review status: criteria provided, single submitter. Criteria: ACMG Guidelines, 2015. Collection method: clinical testing. Allele origin: germline. Affected: yes.
Comment: The variant is observed at an extremely low frequency in the gnomAD v4.1.0 dataset (total allele frequency: 0.001%). Predicted Consequence/Location: Frameshift: predicted to result in a loss or disruption of normal protein function through protein truncation. The predicted truncated protein may be shortened by more than 10%. The variant has been reported at least twice as pathogenic with clinical assertions and evidence for the classification (ClinVar ID: VCV000162020 /PMID: 11728965 /3billion dataset). Therefore, this variant is classified as Pathogenic according to the recommendation of ACMG/AMP guideline.

Victorian Clinical Genetics Services, Murdoch Childrens Research Institute
Classification: Pathogenic for Primary hyperoxaluria, type II. Last evaluated: 2024-09-22. Review status: criteria provided, single submitter. Criteria: ACMG Guidelines, 2015. Collection method: clinical testing. Allele origin: germline. Inheritance: Autosomal dominant inheritance. Affected: yes.
Comment: Based on the classification scheme VCGS_Germline_v1.3.4, this variant is classified as Pathogenic. Following criteria are met: 0102 - Loss of function is a known mechanism of disease in this gene and is associated with hyperoxaluria, primary, type II (MIM#260000). (I) 0106 - This gene is associated with autosomal recessive disease. (I) 0205 - Variant is predicted to result in a truncated protein (premature termination codon is NOT located at least 54 nucleotides upstream of the final exon-exon junction) with less than 1/3 of the protein sequence affected. (SP) 0251 - This variant is heterozygous. (I) 0304 - Variant is present in gnomAD (v2) <0.01 for a recessive condition (11 heterozygotes, 0 homozygotes). (SP) 0600 - Variant affects or truncates the annotated D-isomer specific 2-hydroxyacid dehydrogenase, NAD binding and D-isomer specific 2-hydroxyacid dehydrogenase, catalytic domains (DECIPHER). (I) 0702 - Other downstream truncating variants comparable to the one identified in this case have strong previous evidence for pathogenicity (DECIPHER). Some downstream truncating variants have also been classified as VUS in ClinVar however, these entries were all from a single laboratory. (SP) 0801 - This variant has strong previous evidence of pathogenicity in unrelated individuals. This variant has been classified as pathogenic or likely pathogenic by clinical laboratories in ClinVar and has been observed as homozygous or compound heterozygous in individuals with primary hyperoxaluria (PMIDs: 24116921, 11728965). (SP) 1208 - Inheritance information for this variant is not currently available in this individual. (I) Legend: (SP) - Supporting pathogenic, (I) - Information, (SB) - Supporting benign

Fulgent Genetics
Classification: Pathogenic for Primary hyperoxaluria, type II. Last evaluated: 2024-06-12. Review status: criteria provided, single submitter. Criteria: ACMG Guidelines, 2015. Collection method: clinical testing. Allele origin: germline.

Rare Kidney Stone Consortium and the Mayo Clinic Hyperoxaluria Center, Mayo Clinic
Classification: Pathogenic for Primary hyperoxaluria, type II. Last evaluated: 2023-10-27. Review status: criteria provided, single submitter. Criteria: ACMG Guidelines, 2015. Collection method: clinical testing. Allele origin: germline. Affected: yes.
Comment: ACMG:PVS1 PM2 PM3 PP4

Women's Health and Genetics/Laboratory Corporation of America, LabCorp
Classification: Pathogenic for Primary hyperoxaluria. Last evaluated: 2016-06-17. Review status: criteria provided, single submitter. Criteria: LabCorp Variant Classification Summary - May 2015. Collection method: clinical testing. Allele origin: germline.
Comment: Variant summary: The GRHPR c.864_865delTG (p.Val289Aspfs) variant results in a premature termination codon, predicted to cause a truncated or absent GRHPR protein due to nonsense mediated decay, which are commonly known mechanisms for disease. This variant was found in 3/121702 control chromosomes at a frequency of 0.0000247, which does not exceed the estimated maximal expected allele frequency of a pathogenic GRHPR variant (0.0014434). It was only found in East Asian population in which allele frequency was 0.033% (3/9124 chromosomes). This variant has been reported in five PH2 patients of East Asian origin including four patients who carried this variant in homozygous state (Takayama_2014). The authors recommend that this mutation, particularly in patients of East Asian origin, should be screened when PH2 is suspected. Multiple labs/reputable databases classify this variant as pathogenic. Taken together, this variant is classified as Pathogenic.

Counsyl
Classification: Likely pathogenic for Primary hyperoxaluria, type II. Last evaluated: 2017-01-25. Review status: no assertion criteria provided. Collection method: clinical testing. Allele origin: unknown. Not counted in ClinVar's aggregate classification.

Clinical Biochemistry Laboratory, Health Services Laboratory
Classification: Pathogenic for Primary hyperoxaluria, type II. Last evaluated: 2014-11-27. Review status: no assertion criteria provided. Collection method: research. Allele origin: germline. Affected: yes. Not counted in ClinVar's aggregate classification.

OMIM
Classification: Pathogenic for HYPEROXALURIA, PRIMARY, TYPE II. Last evaluated: 2014-10-01. Review status: no assertion criteria provided. Collection method: literature only. Allele origin: germline. Not counted in ClinVar's aggregate classification.

Literature cited by the submitters: PubMed 11728965 (cited by 4 submitters); PubMed 24116921 (cited by 6 submitters); PubMed 14635115 (cited by Labcorp Genetics (formerly Invitae), Labcorp); PubMed 17510093 (cited by Natera, Inc.); PubMed 30488096 (cited by Rare Kidney Stone Consortium and the Mayo Clinic Hyperoxaluria Center, Mayo Clinic); PubMed 34805638 (cited by Rare Kidney Stone Consortium and the Mayo Clinic Hyperoxaluria Center, Mayo Clinic).

NM_012203.2(GRHPR):c.866_867del (p.Val289fs)

Gene: GRHPR (glyoxylate and hydroxypyruvate reductase; plus strand). Cytogenetic location: 9p13.2.
Variant type: Microsatellite.
Coding change: c.866_867del on transcript NM_012203.2 (MANE Select); coding-DNA positions 866 to 867, 2 bases deleted (TG; older notation c.866_867delTG).
Protein change: p.Val289fs; shifts the reading frame from valine 289.
Molecular consequence: frameshift variant.
Genome position (GRCh38, 1-based): chr9:37,432,137-37,432,138, TG deleted; deleting any 2 consecutive bases within chr9:37,432,135-37,432,138 gives the same sequence; the c. name uses the placement nearest the transcript's 3' end. VCF-style (leftmost placement, unchanged base first): chr9-37432134-CTG-C. GRCh37 (hg19) VCF-style: chr9-37432131-CTG-C.
Other names: c.864_865del (NM_012203.1, NM_012203.2); short protein forms V289fs.
Identifiers: ClinVar variation 162020 (VCV000162020.22), dbSNP rs180177321, ClinGen allele CA273038.